The following is an entry in ClinVar:

NM_015559.3(SETBP1):c.487-13T>C

Gene: SETBP1 (SET binding protein 1; plus strand). Cytogenetic location: 18q12.3.
Variant type: single nucleotide variant.
Coding change: c.487-13T>C on transcript NM_015559.3 (MANE Select); 13 bases into the intron before coding-DNA position 487, T replaced by C.
Molecular consequence: intron variant.
Genome position (GRCh38, 1-based): chr18:44,869,217, T>C. VCF-style: chr18-44869217-T-C. GRCh37 (hg19) VCF-style: chr18-42449182-T-C.
Other names: c.487-13T>C (NM_001379141.1, NM_001130110.2, NM_001410862.1 and 1 more transcripts).
Identifiers: ClinVar variation 3364721 (VCV003364721.1).

ClinVar aggregate classification (germline): Uncertain significance (1 of 4 stars; one submission).

Submission:

GeneDx
Classification: Uncertain significance. Last evaluated: 2023-11-21. Review status: criteria provided, single submitter. Criteria: GeneDx Variant Classification Process June 2021. Collection method: clinical testing. Allele origin: germline. Affected: yes.
Comment: Not observed at significant frequency in large population cohorts (gnomAD); In silico analysis supports that this variant does not alter splicing; Has not been previously published as pathogenic or benign to our knowledge